The following is an entry in ClinVar:

ClinVar aggregate classification (germline): Uncertain significance (1 of 4 stars; one submission).

Conditions:
Type 2 diabetes mellitus. Also called: Type II diabetes mellitus. Identifiers: MedGen C0011860, MeSH D003924, MONDO:0005148, OMIM 125853, HP:0005978.

gnomAD v4.1: 36 of 1,614,188 alleles (0.0022%); highest among the groups gnomAD compares: South Asian, 0.04%; no homozygotes.

Submission:

Foundation for Research in Genetics and Endocrinology, FRIGE's Institute of Human Genetics
Classification: Uncertain significance for Type 2 diabetes mellitus. Last evaluated: 2025-04-24. Review status: criteria provided, single submitter. Criteria: ACMG Guidelines, 2015. Collection method: clinical testing. Allele origin: germline. Inheritance: Autosomal dominant inheritance. Affected: yes. Observed: 1 heterozygote.
Comment: A heterozygous missense variant in exon 9 of the TCF7L2 gene that results in an amino acid substitution of Threonine for Proline at codon 317 was detected. The observed variant c.949C>A (p.Pro317Thr) has not been reported in the 1000 genomes but has a MAF of 0.0023% in the gnomAD databases. The in-silico prediction of the variant is disease causing by MutationTaster2. In summary, the variant meets our criteria to be classified as the variant of uncertain significance.

NM_001367943.1(TCF7L2):c.949C>A (p.Pro317Thr)

Gene: TCF7L2 (transcription factor 7 like 2; plus strand). Cytogenetic location: 10q25.3.
Variant type: single nucleotide variant.
Coding change: c.949C>A on transcript NM_001367943.1 (MANE Select); coding-DNA position 949, C replaced by A.
Protein change: p.Pro317Thr; replaces proline 317 with threonine.
Molecular consequence: missense variant.
Genome position (GRCh38, 1-based): chr10:113,151,071, C>A. VCF-style: chr10-113151071-C-A. GRCh37 (hg19) VCF-style: chr10-114910830-C-A.
Other names: p.Pro317Thr; c.949C>A, p.Pro317Thr (NM_001146274.2, NM_001198531.2, NM_001363501.2); c.1021C>A, p.Pro341Thr (NM_001146283.2); c.868C>A, p.Pro290Thr (NM_001146284.2, NM_001198527.2); c.880C>A, p.Pro294Thr (NM_001146285.2, NM_001146286.2, NM_001198526.2 and 3 more transcripts); c.895C>A, p.Pro299Thr (NM_001198525.2); c.778C>A, p.Pro260Thr (NM_001198530.2); c.520C>A, p.Pro174Thr (NM_001349870.2); and 1 more; short protein forms P134T, P174T, P260T, P290T, P294T, P299T, P317T, P341T.
Identifiers: ClinVar variation 3893223 (VCV003893223.1).